The following is an entry in ClinVar:

NM_001267550.2(TTN):c.100454dup (p.Thr33486fs)

Genes: TTN-AS1 (TTN antisense RNA 1; plus strand), TTN (titin; minus strand). Cytogenetic location: 2q31.2.
Variant type: Duplication.
Coding change: c.100454dup on transcript NM_001267550.2 (MANE Select); coding-DNA position 100454, one base duplicated (T; older notation c.100454dupT).
Protein change: p.Thr33486fs; shifts the reading frame from threonine 33486.
Molecular consequence: frameshift variant.
Genome position (GRCh38, 1-based): chr2:178,536,293, A duplicated on the plus strand (T on the coding strand, the reverse complement: TTN is on the minus strand). VCF-style (leftmost placement, unchanged base first): chr2-178536292-G-GA. GRCh37 (hg19) VCF-style: chr2-179401019-G-GA.
Other names: c.95531dup, p.Thr31845fs (NM_001256850.1); c.73259dup, p.Thr24421fs (NM_003319.4); c.92750dup, p.Thr30918fs (NM_133378.4); c.73634dup, p.Thr24546fs (NM_133432.3); c.73835dup, p.Thr24613fs (NM_133437.4); c.73259dupT (NM_003319.4); short protein forms T24421fs, T24546fs, T24613fs, T30918fs, T31845fs, T33486fs.
Identifiers: ClinVar variation 3757847 (VCV003757847.3).

ClinVar aggregate classification (germline): Likely pathogenic. Review status: criteria provided, multiple submitters, no conflicts (2 of 4 stars). 2 submissions from 2 submitters: Likely pathogenic (2). Last evaluated 2025-07-01.

Conditions:
Dilated cardiomyopathy 1G (CMD1G). Identifiers: Orphanet 154, MedGen C1858763, MONDO:0011400, OMIM 604145.
Autosomal recessive limb-girdle muscular dystrophy type 2J (LGMDR10). Also called: Limb-girdle muscular dystrophy, type 2J; MUSCULAR DYSTROPHY, LIMB-GIRDLE, AUTOSOMAL RECESSIVE 10. Identifiers: Orphanet 140922, MedGen C1837342, MONDO:0012127, OMIM 608807.
Cardiovascular phenotype. Identifiers: MedGen CN230736.

Submissions (2):

Ambry Genetics
Classification: Likely pathogenic for Cardiovascular phenotype. Last evaluated: 2025-07-01. Review status: criteria provided, single submitter. Criteria: Ambry Variant Classification Scheme 2023. Collection method: clinical testing. Allele origin: germline.
Comment: The c.73259dupT (p.T24421Hfs*5) alteration, located in exon 185 (coding exon 184) of the TTN gene, consists of a duplication of T at position 73259, causing a translational frameshift with a predicted alternate stop codon after 5 amino acids. This variant is expected to result in loss of function by premature protein truncation or nonsense-mediated mRNA decay. This variant was not reported in population-based cohorts in the Genome Aggregation Database (gnomAD). This exon is located in the A-band region of the N2-B isoform of the titin protein and is constitutively expressed in TTN transcripts (percent spliced in or PSI 100%). While truncating variants in TTN are present in 1-3% of the general population, truncating variants in the A-band are the most common cause of dilated cardiomyopathy (Herman, 2012; Roberts, 2015). TTN truncating variants encoded in constitutive exons (PSI >90%) have been found to be significantly associated with DCM regardless of their position in titin (Schafer, 2017; Akhtar, 2020; Massier, 2025). Based on the available evidence, this alteration is classified as likely pathogenic.

Labcorp Genetics (formerly Invitae), Labcorp
Classification: Likely pathogenic for Dilated cardiomyopathy 1G; Autosomal recessive limb-girdle muscular dystrophy type 2J. Last evaluated: 2024-08-28. Review status: criteria provided, single submitter. Criteria: Invitae Variant Classification Sherloc (09022015). Collection method: clinical testing. Allele origin: germline.
Comment: This sequence change creates a premature translational stop signal (p.Thr33486Hisfs*5) in the TTN gene. While this is not anticipated to result in nonsense mediated decay, it is expected to create a truncated TTN protein. This variant is not present in population databases (gnomAD no frequency). This variant has not been reported in the literature in individuals affected with TTN-related conditions. This variant is located in the A band of TTN (PMID: 25589632). Truncating variants in this region are significantly overrepresented in patients affected with dilated cardiomyopathy (PMID: 25589632). Truncating variants in this region have also been reported in individuals affected with autosomal recessive centronuclear myopathy (PMID: 23975875). In summary, the currently available evidence indicates that the variant is pathogenic, but additional data are needed to prove that conclusively. Therefore, this variant has been classified as Likely Pathogenic.

Literature cited by the submitters: PubMed 22335739 (cited by Ambry Genetics); PubMed 25589632 (cited by Ambry Genetics and Labcorp Genetics (formerly Invitae), Labcorp); PubMed 27869827 (cited by Ambry Genetics); PubMed 32964742 (cited by Ambry Genetics); PubMed 39844436 (cited by Ambry Genetics); PubMed 23975875 (cited by Labcorp Genetics (formerly Invitae), Labcorp).